The following is an entry in ClinVar:

ClinVar aggregate classification (germline): Uncertain significance (1 of 4 stars; one submission).

Conditions:
Amyotrophic lateral sclerosis type 21. Also called: VOCAL CORD AND PHARYNGEAL DYSFUNCTION WITH DISTAL MYOPATHY; MYOPATHY, DISTAL, 2. Identifiers: Orphanet 600, Orphanet 803, MedGen C3807521, MONDO:0011632, OMIM 606070.

Allele frequency attached by ClinVar (database versions not stated): gnomAD 0.00001; gnomAD exomes 0.00001.
gnomAD v4.1: 8 of 1,613,818 alleles (0.0005%); highest among the groups gnomAD compares: Middle Eastern, 0.016%; no homozygotes.

Submission:

Labcorp Genetics (formerly Invitae), Labcorp
Classification: Uncertain significance for Amyotrophic lateral sclerosis type 21. Last evaluated: 2025-07-05. Review status: criteria provided, single submitter. Criteria: Invitae Variant Classification Sherloc (09022015). Collection method: clinical testing. Allele origin: germline.
Comment: This sequence change replaces alanine, which is neutral and non-polar, with valine, which is neutral and non-polar, at codon 23 of the MATR3 protein (p.Ala23Val). This variant is present in population databases (no rsID available, gnomAD 0.007%). This variant has not been reported in the literature in individuals affected with MATR3-related conditions. ClinVar contains an entry for this variant (Variation ID: 3016264). An algorithm developed to predict the effect of missense changes on protein structure and function (PolyPhen-2) suggests that this variant is likely to be disruptive. In summary, the available evidence is currently insufficient to determine the role of this variant in disease. Therefore, it has been classified as a Variant of Uncertain Significance.

NM_018834.6(MATR3):c.68C>T (p.Ala23Val)

Gene: MATR3 (matrin 3; plus strand). Cytogenetic location: 5q31.2.
Variant type: single nucleotide variant.
Coding change: c.68C>T on transcript NM_018834.6 (MANE Select); coding-DNA position 68, C replaced by T.
Protein change: p.Ala23Val; replaces alanine 23 with valine.
Molecular consequence: missense variant. On other transcripts: intron variant (11).
Genome position (GRCh38, 1-based): chr5:139,307,483, C>T. VCF-style: chr5-139307483-C-T. GRCh37 (hg19) VCF-style: chr5-138643172-C-T.
Other names: c.68C>T, p.Ala23Val (NM_001194954.2, NM_001194955.2, NM_001400441.1 and 16 more transcripts); c.52-7192C>T (NM_001400459.1); c.-102-7192C>T (NM_001400463.1, NM_001400460.1, NM_001282278.2 and 3 more transcripts); c.-40-8214C>T (NM_001400462.1, NM_001400467.1); c.13-7192C>T (NM_001400461.1); c.49-7192C>T (NM_001194956.2); short protein forms A23V.
Identifiers: ClinVar variation 3016264 (VCV003016264.3), dbSNP rs866372806, ClinGen allele CA128744109.